The following is an entry in ClinVar:

NM_001394062.1(MACF1):c.21878A>T (p.Asp7293Val)

Gene: MACF1 (microtubule actin crosslinking factor 1; plus strand). Cytogenetic location: 1p34.3.
Variant type: single nucleotide variant.
Coding change: c.21878A>T on transcript NM_001394062.1 (MANE Select); coding-DNA position 21878, A replaced by T.
Protein change: p.Asp7293Val; replaces aspartic acid 7293 with valine.
Molecular consequence: missense variant.
Genome position (GRCh38, 1-based): chr1:39,468,721, A>T. VCF-style: chr1-39468721-A-T. GRCh37 (hg19) VCF-style: chr1-39934393-A-T.
Other names: c.15683A>T, p.Asp5228Val (NM_012090.5); short protein forms D5228V, D7293V.
Identifiers: ClinVar variation 1068756 (VCV001068756.9), dbSNP rs2124125725, ClinGen allele CA339776893.

ClinVar aggregate classification (germline): Pathogenic (1 of 4 stars; one submission).

Submission:

Labcorp Genetics (formerly Invitae), Labcorp
Classification: Pathogenic. Last evaluated: 2020-04-26. Review status: criteria provided, single submitter. Criteria: Invitae Variant Classification Sherloc (09022015). Collection method: clinical testing. Allele origin: germline.
Comment: For these reasons, this variant has been classified as Pathogenic. This variant disrupts the p.Asp5228 amino acid residue in MACF1. Other variant(s) that disrupt this residue have been determined to be pathogenic (PMID: 30471716). This suggests that this residue is clinically significant, and that variants that disrupt this residue are likely to be disease-causing. Algorithms developed to predict the effect of missense changes on protein structure and function are either unavailable or do not agree on the potential impact of this missense change (SIFT: "Deleterious"; PolyPhen-2: "Probably Damaging"; Align-GVGD: "Class C0"). This variant has been observed in individual(s) with clinical features of MACF1-related conditions (Invitae). In at least one individual the variant was observed to be de novo. This variant is not present in population databases (ExAC no frequency). This sequence change replaces aspartic acid with valine at codon 5228 of the MACF1 protein (p.Asp5228Val). The aspartic acid residue is highly conserved and there is a large physicochemical difference between aspartic acid and valine.

Literature cited by the submitters: PubMed 30471716.